The following is an entry in ClinVar:

NM_001164277.2(SLC37A4):c.89C>T (p.Thr30Ile)

Gene: SLC37A4 (solute carrier family 37 member 4; minus strand). Cytogenetic location: 11q23.3.
Variant type: single nucleotide variant.
Coding change: c.89C>T on transcript NM_001164277.2 (MANE Select); coding-DNA position 89, C replaced by T.
Protein change: p.Thr30Ile; replaces threonine 30 with isoleucine.
Molecular consequence: missense variant. On other transcripts: intron variant (1).
Genome position (GRCh38, 1-based): chr11:119,029,281, G>A on the plus strand (C>T on the coding strand, the complement: SLC37A4 is on the minus strand). VCF-style: chr11-119029281-G-A. GRCh37 (hg19) VCF-style: chr11-118899991-G-A.
Other names: c.89C>T, p.Thr30Ile (NM_001467.6, NM_001164278.2, NM_001164280.2); c.-172+111C>T (NM_001164279.2); short protein forms T30I.
Identifiers: ClinVar variation 2172207 (VCV002172207.3), dbSNP rs987244110, ClinGen allele CA382908448.

ClinVar aggregate classification (germline): Uncertain significance (1 of 4 stars; one submission).

Conditions:
Glucose-6-phosphate transport defect (GSD1B). Also called: GSD Ib; Glycogen Storage Disease Type Ib. Identifiers: Orphanet 364, Orphanet 79259, MedGen C0268146, MONDO:0009288, OMIM 232220.

Allele frequency attached by ClinVar (database versions not stated): TOPMed below 0.00001; gnomAD 0.00001.

Submission:

Labcorp Genetics (formerly Invitae), Labcorp
Classification: Uncertain significance for Glucose-6-phosphate transport defect. Last evaluated: 2025-07-07. Review status: criteria provided, single submitter. Criteria: Invitae Variant Classification Sherloc (09022015). Collection method: clinical testing. Allele origin: germline.
Comment: This sequence change replaces threonine, which is neutral and polar, with isoleucine, which is neutral and non-polar, at codon 30 of the SLC37A4 protein (p.Thr30Ile). This variant is not present in population databases (gnomAD no frequency). This variant has not been reported in the literature in individuals affected with SLC37A4-related conditions. ClinVar contains an entry for this variant (Variation ID: 2172207). Invitae Evidence Modeling of protein sequence and biophysical properties (such as structural, functional, and spatial information, amino acid conservation, physicochemical variation, residue mobility, and thermodynamic stability) indicates that this missense variant is not expected to disrupt SLC37A4 protein function with a negative predictive value of 80%. In summary, the available evidence is currently insufficient to determine the role of this variant in disease. Therefore, it has been classified as a Variant of Uncertain Significance.